The following is an entry in ClinVar:

ClinVar aggregate classification (germline): Uncertain significance (1 of 4 stars; one submission).

Conditions:
Mandibulofacial dysostosis-microcephaly syndrome (MFDGA). Also called: Growth and mental retardation, mandibulofacial dysostosis, microcephaly, and cleft palate; Mandibulofacial dysostosis, Guion-Almeida type. Identifiers: Orphanet 79113, MedGen C1864652, MONDO:0012516, OMIM 610536.

Submission:

Juno Genomics, Hangzhou Juno Genomics, Inc
Classification: Uncertain significance for Mandibulofacial dysostosis-microcephaly syndrome. Review status: criteria provided, single submitter. Criteria: ACMG Guidelines, 2015. Collection method: clinical testing. Allele origin: germline.
Comment: Missense variant in a gene that has a low rate of benign missense variation.;Multiple lines of computational evidence support a deleterious effect on the gene or gene product.;Absent from controls (or at extremely low frequency if recessive) in Genome Aggregation Database.

NM_004247.4(EFTUD2):c.1663G>A (p.Val555Ile)

Gene: EFTUD2 (elongation factor Tu GTP binding domain containing 2; minus strand). Cytogenetic location: 17q21.31.
Variant type: single nucleotide variant.
Coding change: c.1663G>A on transcript NM_004247.4 (MANE Select); coding-DNA position 1663, G replaced by A.
Protein change: p.Val555Ile; replaces valine 555 with isoleucine.
Molecular consequence: missense variant.
Genome position (GRCh38, 1-based): chr17:44,860,488, C>T on the plus strand (G>A on the coding strand, the complement: EFTUD2 is on the minus strand). VCF-style: chr17-44860488-C-T. GRCh37 (hg19) VCF-style: chr17-42937856-C-T.
Other names: c.1558G>A, p.Val520Ile (NM_001142605.2); c.1663G>A, p.Val555Ile (NM_001258353.2); c.1633G>A, p.Val545Ile (NM_001258354.2); short protein forms V555I, V520I, V545I.
Identifiers: ClinVar variation 5005766 (VCV005005766.2).